The following is an entry in ClinVar:

NM_000748.3(CHRNB2):c.613A>G (p.Ile205Val)

Gene: CHRNB2 (cholinergic receptor nicotinic beta 2 subunit; plus strand). Cytogenetic location: 1q21.3.
Variant type: single nucleotide variant.
Coding change: c.613A>G on transcript NM_000748.3 (MANE Select); coding-DNA position 613, A replaced by G.
Protein change: p.Ile205Val; replaces isoleucine 205 with valine.
Molecular consequence: missense variant.
Genome position (GRCh38, 1-based): chr1:154,571,436, A>G. VCF-style: chr1-154571436-A-G. GRCh37 (hg19) VCF-style: chr1-154543912-A-G.
Other names: short protein forms I205V.
Identifiers: ClinVar variation 515239 (VCV000515239.1), dbSNP rs568750665, ClinGen allele CA1130749.

ClinVar aggregate classification (germline): Likely benign (1 of 4 stars; one submission).

Allele frequency attached by ClinVar (database versions not stated): TOPMed below 0.00001; gnomAD 0.00001; gnomAD exomes 0.00001; ExAC 0.00002; 1000 Genomes Project 30x 0.00016; 1000 Genomes Project 0.00020.
gnomAD v4.1: 1 of 1,614,168 alleles (0.000062%); highest among the groups gnomAD compares: African/African-American, 0.0013%; no homozygotes.

Submission:

GeneDx
Classification: Likely benign. Last evaluated: 2018-02-14. Review status: criteria provided, single submitter. Criteria: GeneDx Variant Classification (06012015). Collection method: clinical testing. Allele origin: germline. Affected: yes.
Comment: This variant is considered likely benign or benign based on one or more of the following criteria: it is a conservative change, it occurs at a poorly conserved position in the protein, it is predicted to be benign by multiple in silico algorithms, and/or has population frequency not consistent with disease.